The following is an entry in ClinVar:

ClinVar aggregate classification (germline): Uncertain significance (1 of 4 stars; one submission).

Submission:

Labcorp Genetics (formerly Invitae), Labcorp
Classification: Uncertain significance. Last evaluated: 2026-01-24. Review status: criteria provided, single submitter. Criteria: Invitae Variant Classification Sherloc (09022015). Collection method: clinical testing. Allele origin: germline.
Comment: This sequence change replaces isoleucine, which is neutral and non-polar, with valine, which is neutral and non-polar, at codon 415 of the ROBO1 protein (p.Ile415Val). This variant is not present in population databases (gnomAD no frequency). This variant has not been reported in the literature in individuals affected with ROBO1-related conditions. Invitae Evidence Modeling of protein sequence and biophysical properties (such as structural, functional, and spatial information, amino acid conservation, physicochemical variation, residue mobility, and thermodynamic stability) indicates that this missense variant is not expected to disrupt ROBO1 protein function with a negative predictive value of 95%. In summary, the available evidence is currently insufficient to determine the role of this variant in disease. Therefore, it has been classified as a Variant of Uncertain Significance.

NM_002941.4(ROBO1):c.1243A>G (p.Ile415Val)

Gene: ROBO1 (roundabout guidance receptor 1; minus strand). Cytogenetic location: 3p12.3.
Variant type: single nucleotide variant.
Coding change: c.1243A>G on transcript NM_002941.4 (MANE Select); coding-DNA position 1243, A replaced by G.
Protein change: p.Ile415Val; replaces isoleucine 415 with valine.
Molecular consequence: missense variant.
Genome position (GRCh38, 1-based): chr3:78,685,845, T>C on the plus strand (A>G on the coding strand, the complement: ROBO1 is on the minus strand). VCF-style: chr3-78685845-T-C. GRCh37 (hg19) VCF-style: chr3-78734995-T-C.
Other names: c.1135A>G, p.Ile379Val (NM_001145845.2, NM_133631.4); short protein forms I415V, I379V.
Identifiers: ClinVar variation 4732920 (VCV004732920.1).
Genomic context (GRCh38, chr3:78,685,845, plus strand): 5'-CAGCAACATTTAAAGTCTGGCAGATGTAATAACCAACATCAGATCGCTGGACATTAGTAA[T>C]TGTGAGGTCGCCAGTCTGGGAGACTGAAAATCGGCTGGATGACTGTGGTGGTTGATATGA-3'
Protein context (NP_002932.1, residues 405-425): FSVSQTGDLT[Ile415Val]TNVQRSDVGY